The following is an entry in ClinVar:

NM_014251.3(SLC25A13):c.1069C>T (p.Gln357Ter)

Gene: SLC25A13 (solute carrier family 25 member 13; minus strand). Cytogenetic location: 7q21.3.
Variant type: single nucleotide variant.
Coding change: c.1069C>T on transcript NM_014251.3 (MANE Select); coding-DNA position 1069, C replaced by T.
Protein change: p.Gln357Ter; replaces glutamine 357 with a stop codon.
Molecular consequence: nonsense. On other transcripts: non-coding transcript variant (1).
Genome position (GRCh38, 1-based): chr7:96,184,385, G>A on the plus strand (C>T on the coding strand, the complement: SLC25A13 is on the minus strand). VCF-style: chr7-96184385-G-A. GRCh37 (hg19) VCF-style: chr7-95813697-G-A.
Other names: c.1072C>T, p.Gln358Ter (NM_001160210.2); c.1069C>T (NM_014251.2); short protein forms Q357*, Q358*.
Identifiers: ClinVar variation 2678834 (VCV002678834.2), dbSNP rs2485792717, ClinGen allele CA368260285.

ClinVar aggregate classification (germline): Likely pathogenic. Review status: criteria provided, multiple submitters, no conflicts (2 of 4 stars). 2 submissions from 2 submitters: Likely pathogenic (2). Last evaluated 2024-06-18.

Conditions:
Citrullinemia. Identifiers: Orphanet 187, MedGen C0175683, MONDO:0015991.
Citrullinemia, type II, adult-onset (CDAA). Also called: CITRIN DEFICIENCY, ADOLESCENT OR ADULT ONSET. Identifiers: Orphanet 247585, MedGen CN295299, MONDO:0011326, OMIM 603471.

Submissions (2):

Natera, Inc.
Classification: Likely pathogenic for Citrullinemia. Last evaluated: 2024-06-18. Review status: criteria provided, single submitter. Criteria: Natera Variant Classification Schema (03/2026). Collection method: clinical testing. Allele origin: germline.
Comment: The c.1069C>T variant in SLC25A13 is a nonsense variant predicted to introduce a stop codon at amino acid 357. This variant is expected to result in nonsense mediated decay, truncation, or a dysfunctional protein product. This variant is rare in the general population with a frequency below the threshold expected for the associated phenotype(s). Given the available evidence, this variant is classified as Likely Pathogenic.

Baylor Genetics
Classification: Likely pathogenic for Citrullinemia, type II, adult-onset. Last evaluated: 2022-12-31. Review status: criteria provided, single submitter. Criteria: ACMG Guidelines, 2015. Collection method: clinical testing. Allele origin: unknown.